The following is an entry in ClinVar:

ClinVar aggregate classification (germline): Uncertain significance. Review status: criteria provided, multiple submitters, no conflicts (2 of 4 stars). 2 submissions from 2 submitters: Uncertain significance (2). Last evaluated 2024-10-08.

Conditions:
Inborn genetic diseases. Identifiers: MedGen C0950123, MeSH D030342.

gnomAD v4.1: 10 of 1,614,108 alleles (0.00062%); highest among the groups gnomAD compares: Non-Finnish European, 0.00085%; no homozygotes.

Submissions (2):

Ambry Genetics
Classification: Uncertain significance for Inborn genetic diseases. Last evaluated: 2024-10-08. Review status: criteria provided, single submitter. Criteria: Ambry Variant Classification Scheme 2023. Collection method: clinical testing. Allele origin: germline.

Labcorp Genetics (formerly Invitae), Labcorp
Classification: Uncertain significance. Last evaluated: 2021-08-20. Review status: criteria provided, single submitter. Criteria: Invitae Variant Classification Sherloc (09022015). Collection method: clinical testing. Allele origin: germline.
Comment: This sequence change replaces leucine with arginine at codon 6 of the PIGL protein (p.Leu6Arg). The leucine residue is weakly conserved and there is a moderate physicochemical difference between leucine and arginine. This variant is not present in population databases (ExAC no frequency). This variant has not been reported in the literature in individuals affected with PIGL-related conditions. Algorithms developed to predict the effect of missense changes on protein structure and function are either unavailable or do not agree on the potential impact of this missense change (SIFT: "Deleterious"; PolyPhen-2: "Benign"; Align-GVGD: "Class C0"). In summary, the available evidence is currently insufficient to determine the role of this variant in disease. Therefore, it has been classified as a Variant of Uncertain Significance.

NM_004278.4(PIGL):c.17T>G (p.Leu6Arg)

Gene: PIGL (phosphatidylinositol glycan anchor biosynthesis class L; plus strand). Cytogenetic location: 17p11.2.
Variant type: single nucleotide variant.
Coding change: c.17T>G on transcript NM_004278.4 (MANE Select); coding-DNA position 17, T replaced by G.
Protein change: p.Leu6Arg; replaces leucine 6 with arginine.
Molecular consequence: missense variant.
Genome position (GRCh38, 1-based): chr17:16,217,243, T>G. VCF-style: chr17-16217243-T-G. GRCh37 (hg19) VCF-style: chr17-16120557-T-G.
Other names: c.17T>G (NM_004278.3); short protein forms L6R.
Identifiers: ClinVar variation 1461871 (VCV001461871.6), dbSNP rs371054034, ClinGen allele CA398468795.